The following is an entry in ClinVar:

ClinVar aggregate classification (germline): Uncertain significance. Review status: criteria provided, single submitter (1 of 4 stars). 2 submissions from 2 submitters: Uncertain significance (1). 1 of the submissions does not count toward it. Last evaluated 2020-11-18.

Conditions:
Inborn genetic diseases. Identifiers: MedGen C0950123, MeSH D030342.
TNRC6B-related disorder. Also called: TNRC6B-related condition.

Submissions (2):

Ambry Genetics
Classification: Uncertain significance for Inborn genetic diseases. Last evaluated: 2020-11-18. Review status: criteria provided, single submitter. Criteria: Ambry Variant Classification Scheme 2023. Collection method: clinical testing. Allele origin: germline.
Comment: The c.4121-3delT intronic variant is located 3 nucleotides upstream of coding exon 16 of the TNRC6B gene. This variant results from a deletion of one nucleotide at position c.4121-3. Based on data from the Genome Aggregation Database (gnomAD) database, the TNRC6B c.4121-3delT alteration was observed in 0.03% (93/280634) of total alleles studied, with a frequency of 0.09% (33/35376) in the Latino subpopulation. This nucleotide position is not well conserved in available vertebrate species. In silico splice site analysis predicts that this alteration will not have any significant effect on splicing. Based on insufficient or conflicting evidence, the clinical significance of this alteration remains unclear.

PreventionGenetics, part of Exact Sciences
Classification: Likely benign for TNRC6B-related condition. Last evaluated: 2019-07-29. Review status: no assertion criteria provided. Collection method: clinical testing. Allele origin: germline. Not counted in ClinVar's aggregate classification.
Comment: This variant is classified as likely benign based on ACMG/AMP sequence variant interpretation guidelines (Richards et al. 2015 PMID: 25741868, with internal and published modifications).

NM_001162501.2(TNRC6B):c.4121-3del

Gene: TNRC6B (trinucleotide repeat containing adaptor 6B; plus strand). Cytogenetic location: 22q13.1.
Variant type: Deletion.
Coding change: c.4121-3del on transcript NM_001162501.2 (MANE Select); 3 bases into the intron before coding-DNA position 4121, one base deleted (T; older notation c.4121-3delT).
Molecular consequence: intron variant.
Genome position (GRCh38, 1-based): chr22:40,308,509, T deleted; the last of 5 consecutive T bases (chr22:40,308,505-40,308,509); deleting any one gives the same sequence. VCF-style (leftmost placement, unchanged base first): chr22-40308504-CT-C. GRCh37 (hg19) VCF-style: chr22-40704508-CT-C.
Other names: c.1709-3del (NM_001024843.2); c.3791-3del (NM_015088.3).
Identifiers: ClinVar variation 2222098 (VCV002222098.4), dbSNP rs564939757, ClinGen allele CA10247235.